The following is an entry in ClinVar:

NM_000051.4(ATM):c.4804G>A (p.Val1602Ile)

Gene: ATM (ATM serine/threonine kinase; plus strand). Cytogenetic location: 11q22.3.
Variant type: single nucleotide variant.
Coding change: c.4804G>A on transcript NM_000051.4 (MANE Select); coding-DNA position 4804, G replaced by A.
Protein change: p.Val1602Ile; replaces valine 1602 with isoleucine.
Molecular consequence: missense variant.
Genome position (GRCh38, 1-based): chr11:108,294,954, G>A. VCF-style: chr11-108294954-G-A. GRCh37 (hg19) VCF-style: chr11-108165681-G-A.
Other names: c.4804G>A, p.Val1602Ile (NM_001351834.2); short protein forms V1602I.
Identifiers: ClinVar variation 3325549 (VCV003325549.1).

ClinVar aggregate classification (germline): Uncertain significance (1 of 4 stars; one submission).

Conditions:
Hereditary cancer-predisposing syndrome. Also called: Neoplastic Syndromes, Hereditary; Tumor predisposition; Hereditary neoplastic syndrome; Hereditary Cancer Syndrome. Identifiers: Orphanet 140162, MedGen C0027672, MeSH D009386, MONDO:0015356.

Submission:

Ambry Genetics
Classification: Uncertain significance for Hereditary cancer-predisposing syndrome. Last evaluated: 2024-04-18. Review status: criteria provided, single submitter. Criteria: Ambry Variant Classification Scheme 2023. Collection method: clinical testing. Allele origin: germline.
Comment: The p.V1602I variant (also known as c.4804G>A), located in coding exon 31 of the ATM gene, results from a G to A substitution at nucleotide position 4804. The valine at codon 1602 is replaced by isoleucine, an amino acid with highly similar properties. This amino acid position is conserved. In addition, this alteration is predicted to be tolerated by in silico analysis. Based on the available evidence, the clinical significance of this variant remains unclear.